The following is an entry in ClinVar:

ClinVar aggregate classification (germline): Uncertain significance (1 of 4 stars; one submission).

Submission:

Women's Health and Genetics/Laboratory Corporation of America, LabCorp
Classification: Uncertain significance. Last evaluated: 2024-02-06. Review status: criteria provided, single submitter. Criteria: LabCorp Variant Classification Summary - May 2015. Collection method: clinical testing. Allele origin: germline.
Comment: Variant summary: The variant involves the deletion of exons 1-5 in the RAC1 gene. A presumed nomenclature of c.(?_-210)_(345+1_346-1)del has been designated for the purposes of this classification. The exact breakpoint at the 5' end of this variant is unknown, therefore this deletion may extend upstream of the annotated region of this gene. Although the exact breakpoints of this deletion are not known, it is predicted to remove the initiation codon and result in an absence of protein or a truncation of the encoded protein due to translation initiation at a downstream site. However, current evidence is not sufficient to establish loss-of-function as a molecular mechanism of disease for the gene. The variant was absent in 119246 control chromosomes in the gnomAD database Structural Variants v4.0 dataset. The available data on variant occurrences in the general population are insufficient to allow any conclusion about variant significance. To our knowledge, no occurrence of c.(?_-210)_(345+1_346-1)del in individuals affected with Intellectual Disability, Autosomal Dominant 48 and no experimental evidence demonstrating its impact on protein function have been reported. No submitters have cited clinical-significance assessments for this variant to ClinVar. Based on the evidence outlined above, the variant was classified as uncertain significance.

NC_000007.13:g.(?_6414157)_(6439820_6441498)del

Gene: RAC1 (Rac family small GTPase 1; plus strand). Cytogenetic location: 7p22.1.
Variant type: Deletion.
Identifiers: ClinVar variation 3069127 (VCV003069127.1).